The following is an entry in ClinVar:

ClinVar aggregate classification (germline): Likely benign (1 of 4 stars; one submission).

Allele frequency attached by ClinVar (database versions not stated): gnomAD exomes below 0.00001.
gnomAD v4.1: 1 of 1,609,742 alleles (0.000062%); highest among the groups gnomAD compares: Non-Finnish European, 0.000085%; no homozygotes.

Submission:

CeGaT Center for Human Genetics Tuebingen
Classification: Likely benign. Last evaluated: 2023-07-01. Review status: criteria provided, single submitter. Criteria: CeGaT Center For Human Genetics Tuebingen Variant Classification Criteria Version 2. Collection method: clinical testing. Allele origin: germline. Affected: yes. Observed: 1 variant allele.
Comment: RTTN: BP4, BP7

NM_173630.4(RTTN):c.4917T>C (p.Ala1639=)

Gene: RTTN (rotatin; minus strand). Cytogenetic location: 18q22.2.
Variant type: single nucleotide variant.
Coding change: c.4917T>C on transcript NM_173630.4 (MANE Select); coding-DNA position 4917, T replaced by C.
Protein change: p.Ala1639=; no amino-acid change (alanine 1639 retained).
Molecular consequence: synonymous variant.
Genome position (GRCh38, 1-based): chr18:70,059,873, A>G on the plus strand (T>C on the coding strand, the complement: RTTN is on the minus strand). VCF-style: chr18-70059873-A-G. GRCh37 (hg19) VCF-style: chr18-67727109-A-G.
Other names: c.2181T>C, p.Ala727= (NM_001318520.2).
Identifiers: ClinVar variation 2648801 (VCV002648801.24), dbSNP rs1274601185, ClinGen allele CA504323381.